The following is an entry in ClinVar:

NM_001040108.2(MLH3):c.3262G>T (p.Asp1088Tyr)

Gene: MLH3 (mutL homolog 3; minus strand). Cytogenetic location: 14q24.3.
Variant type: single nucleotide variant.
Coding change: c.3262G>T on transcript NM_001040108.2 (MANE Select); coding-DNA position 3262, G replaced by T.
Protein change: p.Asp1088Tyr; replaces aspartic acid 1088 with tyrosine.
Molecular consequence: missense variant.
Genome position (GRCh38, 1-based): chr14:75,046,394, C>A on the plus strand (G>T on the coding strand, the complement: MLH3 is on the minus strand). VCF-style: chr14-75046394-C-A. GRCh37 (hg19) VCF-style: chr14-75513097-C-A.
Other names: c.3262G>T, p.Asp1088Tyr (NM_014381.3); short protein forms D1088Y.
Identifiers: ClinVar variation 1729548 (VCV001729548.2), dbSNP rs1892221117, ClinGen allele CA390434177.
Genomic context (GRCh38, chr14:75,046,394, plus strand): 5'-ATCTTCAAAAGCATCTCATGCACATGAATACTACGTACTTACCATTCTCAAGTACAACAT[C>A]CACAGCCACAGTTGTCAGGTCTTTAGTACAAGCAGCCTGAATGTCCTCAGTTGGGGCAAT-3'
Protein context (NP_001035197.1, residues 1078-1098): CTKDLTTVAV[Asp1088Tyr]VVLENGSQYR

ClinVar aggregate classification (germline): Uncertain significance (1 of 4 stars; one submission).

Allele frequency attached by ClinVar (database versions not stated): gnomAD exomes below 0.00001.
gnomAD v4.1: 2 of 1,614,170 alleles (0.00012%); highest among the groups gnomAD compares: Non-Finnish European, 0.00017%; no homozygotes.

Submission:

Ambry Genetics
Classification: Uncertain significance. Last evaluated: 2024-01-28. Review status: criteria provided, single submitter. Criteria: Ambry Variant Classification Scheme 2023. Collection method: clinical testing. Allele origin: germline.
Comment: The p.D1088Y variant (also known as c.3262G>T), located in coding exon 1 of the MLH3 gene, results from a G to T substitution at nucleotide position 3262. The aspartic acid at codon 1088 is replaced by tyrosine, an amino acid with highly dissimilar properties. This amino acid position is conserved. In addition, the in silico prediction for this alteration is inconclusive. Since supporting evidence is limited at this time, the clinical significance of this alteration remains unclear.